The following is an entry in ClinVar:

NM_001035.3(RYR2):c.8278T>C (p.Tyr2760His)

Gene: RYR2 (ryanodine receptor 2; plus strand). Cytogenetic location: 1q43.
Variant type: single nucleotide variant.
Coding change: c.8278T>C on transcript NM_001035.3 (MANE Select); coding-DNA position 8278, T replaced by C.
Protein change: p.Tyr2760His; replaces tyrosine 2760 with histidine.
Molecular consequence: missense variant.
Genome position (GRCh38, 1-based): chr1:237,660,054, T>C. VCF-style: chr1-237660054-T-C. GRCh37 (hg19) VCF-style: chr1-237823354-T-C.
Other names: short protein forms Y2760H.
Identifiers: ClinVar variation 4700319 (VCV004700319.1).

ClinVar aggregate classification (germline): Uncertain significance (1 of 4 stars; one submission).

Conditions:
Catecholaminergic polymorphic ventricular tachycardia 1. Also called: RYR2-Related Catecholaminergic Polymorphic Ventricular Tachycardia; VENTRICULAR TACHYCARDIA, CATECHOLAMINERGIC POLYMORPHIC, 1, WITH OR WITHOUT ATRIAL DYSFUNCTION AND/OR DILATED CARDIOMYOPATHY; VENTRICULAR TACHYCARDIA, STRESS-INDUCED POLYMORPHIC 1. Identifiers: Orphanet 3286, MedGen C1631597, MONDO:0011484, OMIM 604772.

gnomAD v4.1: 1 of 1,572,310 alleles (0.000064%); highest among the groups gnomAD compares: Admixed American, 0.0018%; no homozygotes.

Submission:

Labcorp Genetics (formerly Invitae), Labcorp
Classification: Uncertain significance for Catecholaminergic polymorphic ventricular tachycardia 1. Last evaluated: 2025-11-13. Review status: criteria provided, single submitter. Criteria: Invitae Variant Classification Sherloc (09022015). Collection method: clinical testing. Allele origin: germline.
Comment: This sequence change replaces tyrosine, which is neutral and polar, with histidine, which is basic and polar, at codon 2760 of the RYR2 protein (p.Tyr2760His). This variant is not present in population databases (gnomAD no frequency). This variant has not been reported in the literature in individuals affected with RYR2-related conditions. Invitae Evidence Modeling of protein sequence and biophysical properties (such as structural, functional, and spatial information, amino acid conservation, physicochemical variation, residue mobility, and thermodynamic stability) indicates that this missense variant is expected to disrupt RYR2 protein function with a positive predictive value of 95%. In summary, the available evidence is currently insufficient to determine the role of this variant in disease. Therefore, it has been classified as a Variant of Uncertain Significance.